The following is an entry in ClinVar:

ClinVar aggregate classification (germline): Likely pathogenic (1 of 4 stars; one submission).

Allele frequency attached by ClinVar (database versions not stated): ExAC 0.00001; gnomAD 0.00003; TOPMed 0.00003.

Submission:

Labcorp Genetics (formerly Invitae), Labcorp
Classification: Likely pathogenic. Last evaluated: 2023-07-07. Review status: criteria provided, single submitter. Criteria: Invitae Variant Classification Sherloc (09022015). Collection method: clinical testing. Allele origin: germline.
Comment: This variant has not been reported in the literature in individuals affected with GPAA1-related conditions. This variant is present in population databases (rs782140153, gnomAD 0.01%). This sequence change affects a donor splice site in intron 7 of the GPAA1 gene. It is expected to disrupt RNA splicing. Variants that disrupt the donor or acceptor splice site typically lead to a loss of protein function (PMID: 16199547), and loss-of-function variants in GPAA1 are known to be pathogenic (PMID: 29100095). Algorithms developed to predict the effect of sequence changes on RNA splicing suggest that this variant may disrupt the consensus splice site. In summary, the currently available evidence indicates that the variant is pathogenic, but additional data are needed to prove that conclusively. Therefore, this variant has been classified as Likely Pathogenic.

Literature cited by the submitters: PubMed 16199547; PubMed 29100095.

NM_003801.4(GPAA1):c.1010+1G>C

Gene: GPAA1 (glycosylphosphatidylinositol anchor attachment 1; plus strand). Cytogenetic location: 8q24.3.
Variant type: single nucleotide variant.
Coding change: c.1010+1G>C on transcript NM_003801.4 (MANE Select); the canonical splice donor site of the intron after coding-DNA position 1010, G replaced by C.
Molecular consequence: splice donor variant.
Genome position (GRCh38, 1-based): chr8:144,084,610, G>C. VCF-style: chr8-144084610-G-C. GRCh37 (hg19) VCF-style: chr8-145139513-G-C.
Identifiers: ClinVar variation 2984104 (VCV002984104.3), dbSNP rs782140153, ClinGen allele CA4932997.